The following is an entry in ClinVar:

NM_030632.3(ASXL3):c.4242A>C (p.Ala1414=)

Gene: ASXL3 (ASXL transcriptional regulator 3; plus strand). Cytogenetic location: 18q12.1.
Variant type: single nucleotide variant.
Coding change: c.4242A>C on transcript NM_030632.3 (MANE Select); coding-DNA position 4242, A replaced by C.
Protein change: p.Ala1414=; no amino-acid change (alanine 1414 retained).
Molecular consequence: synonymous variant.
Genome position (GRCh38, 1-based): chr18:33,744,090, A>C. VCF-style: chr18-33744090-A-C. GRCh37 (hg19) VCF-style: chr18-31324054-A-C.
Identifiers: ClinVar variation 2648654 (VCV002648654.25), dbSNP rs374195833, ClinGen allele CA8934213.

ClinVar aggregate classification (germline): Likely benign. Review status: criteria provided, multiple submitters, no conflicts (2 of 4 stars). 2 submissions from 2 submitters: Likely benign (2). Last evaluated 2025-06-01.

Allele frequency attached by ClinVar (database versions not stated): gnomAD 0.00011; gnomAD exomes 0.00011; ExAC 0.00017; TOPMed 0.00021; ESP Exome Variant Server 0.00025.
gnomAD v4.1: 191 of 1,613,902 alleles (0.012%); highest among the groups gnomAD compares: Middle Eastern, 0.38%; 1 homozygote.

Submissions (2):

CeGaT Center for Human Genetics Tuebingen
Classification: Likely benign. Last evaluated: 2025-06-01. Review status: criteria provided, single submitter. Criteria: CeGaT Center For Human Genetics Tuebingen Variant Classification Criteria Version 2. Collection method: clinical testing. Allele origin: germline. Affected: yes. Observed: 4 variant alleles.
Comment: ASXL3: BP4, BP7

Blueprint Genetics
Classification: Likely benign. Last evaluated: 2024-09-25. Review status: criteria provided, single submitter. Criteria: ACMG Guidelines, 2015. Collection method: clinical testing. Allele origin: germline.